The following is an entry in ClinVar:

ClinVar aggregate classification (germline): Pathogenic (1 of 4 stars; one submission).

Conditions:
Deafness-lymphedema-leukemia syndrome. Also called: Emberger syndrome; Lymphedema, primary, with myelodysplasia. Identifiers: Orphanet 3226, MedGen C3279664, MONDO:0013540, OMIM 614038.
GATA2 deficiency with susceptibility to MDS/AML. Identifiers: MedGen CN300066, MONDO:0042982.

Submission:

Molecular Pathology Research Laboratory, SA Pathology
Classification: Pathogenic for GATA2 deficiency with susceptibility to MDS/AML; Deafness-lymphedema-leukemia syndrome. Last evaluated: 2021-07-06. Review status: criteria provided, single submitter. Criteria: ACMG Guidelines, 2015. Collection method: curation. Allele origin: unknown. Inheritance: Autosomal dominant inheritance. Affected: yes. Observed: 1 variant allele.
Comment: PVS1, PS4_Supporting, PM2

Literature cited by the submitters: PubMed 28234738.

NM_032638.5(GATA2):c.1041del (p.Cys348fs)

Gene: GATA2 (GATA binding protein 2; minus strand). Cytogenetic location: 3q21.3.
Variant type: Deletion.
Coding change: c.1041del on transcript NM_032638.5 (MANE Select); coding-DNA position 1041, one base deleted (C; older notation c.1041delC).
Protein change: p.Cys348fs; shifts the reading frame from cysteine 348.
Molecular consequence: frameshift variant. On other transcripts: intron variant (1).
Genome position (GRCh38, 1-based): chr3:128,481,921, G deleted on the plus strand (C on the coding strand, the reverse complement: GATA2 is on the minus strand); the first of 2 consecutive G bases (chr3:128,481,921-128,481,922); deleting either gives the same sequence. VCF-style (leftmost placement, unchanged base first): chr3-128481920-AG-A. GRCh37 (hg19) VCF-style: chr3-128200763-AG-A.
Other names: c.1041del, p.Cys348fs (NM_001145661.2); c.1018-19del (NM_001145662.1); short protein forms C348fs.
Identifiers: ClinVar variation 1184223 (VCV001184223.1), dbSNP rs2107668760, ClinGen allele CA2499216437.